The following is an entry in ClinVar:

NM_000760.4(CSF3R):c.2041-30C>T

Gene: CSF3R (colony stimulating factor 3 receptor; minus strand). Cytogenetic location: 1p34.3.
Variant type: single nucleotide variant.
Coding change: c.2041-30C>T on transcript NM_000760.4 (MANE Select); 30 bases into the intron before coding-DNA position 2041, C replaced by T.
Molecular consequence: intron variant. On other transcripts: missense variant (1).
Genome position (GRCh38, 1-based): chr1:36,466,857, G>A on the plus strand (C>T on the coding strand, the complement: CSF3R is on the minus strand). VCF-style: chr1-36466857-G-A. GRCh37 (hg19) VCF-style: chr1-36932458-G-A.
Other names: c.2092C>T, p.Arg698Cys (NM_156039.3); c.2041-30C>T (NM_172313.3); short protein forms R698C.
Identifiers: ClinVar variation 1033123 (VCV001033123.30), dbSNP rs3918021, ClinGen allele CA768968.

ClinVar aggregate classification (germline): Conflicting classifications of pathogenicity. Review status: criteria provided, conflicting classifications (1 of 4 stars). 8 submissions from 7 submitters: Uncertain significance (4); Likely benign (3). 1 of the submissions does not count toward it. Last evaluated 2026-08-01.

Conditions:
Hereditary neutrophilia. Identifiers: Orphanet 279943, MedGen C0543669, MONDO:0008092, OMIM 162830.
Autosomal recessive severe congenital neutropenia due to CSF3R deficiency. Also called: Neutropenia, severe congenital, 7, autosomal recessive. Identifiers: Orphanet 420702, MedGen C4310764, MONDO:0014865, OMIM 617014.
CSF3R-related disorder. Also called: CSF3R-related condition.

Allele frequency attached by ClinVar (database versions not stated): 1000 Genomes Project 30x 0.00078; 1000 Genomes Project 0.00080; gnomAD exomes 0.00219 and 0.00401; TOPMed 0.00234; ExAC 0.00242; gnomAD 0.00257 and 0.00270; ESP Exome Variant Server 0.00308.
gnomAD v4.1: 6,132 of 1,614,136 alleles (0.38%); highest among the groups gnomAD compares: Non-Finnish European, 0.49%; 13 homozygotes.

Submissions (8):

CeGaT Center for Human Genetics Tuebingen
Classification: Likely benign. Last evaluated: 2026-08-01. Review status: criteria provided, single submitter. Criteria: CeGaT Center For Human Genetics Tuebingen Variant Classification Criteria Version 2. Collection method: clinical testing. Allele origin: germline. Affected: yes. Observed: 2 variant alleles.
Comment: CSF3R: BP4, BS2

Women's Health and Genetics/Laboratory Corporation of America, LabCorp
Classification: Likely benign. Last evaluated: 2026-05-12. Review status: criteria provided, single submitter. Criteria: LabCorp Variant Classification Summary - May 2015. Collection method: clinical testing. Allele origin: germline.
Comment: Variant summary: CSF3R c.2092C>T (p.Arg698Cys) results in a non-conservative amino acid change in the encoded protein sequence. Algorithms developed to predict the effect of missense changes on protein structure and function are either unavailable or do not agree on the potential impact of this missense change. The variant allele was found at a frequency of 0.0022 in 247766 control chromosomes, predominantly at a frequency of 0.0043 within the Non-Finnish European subpopulation in the gnomAD database, including 1 homozygotes. The observed variant frequency within Non-Finnish European control individuals in the gnomAD database exceeds the estimated maximal expected allele frequency for disease-causing variants in CSF3R. To our knowledge, no occurrence of c.2092C>T in individuals affected with CSF3R-related conditions and no experimental evidence demonstrating its impact on protein function have been reported. ClinVar contains an entry for this variant (Variation ID: 1033123). Based on the evidence outlined above, the variant was classified as likely benign.

Blueprint Genetics
Classification: Likely benign. Last evaluated: 2024-11-25. Review status: criteria provided, single submitter. Criteria: ACMG Guidelines, 2015. Collection method: clinical testing. Allele origin: germline.

Center for Genomics, Ann and Robert H. Lurie Children's Hospital of Chicago
Classification: Uncertain significance for Autosomal recessive severe congenital neutropenia due to CSF3R deficiency. Last evaluated: 2020-11-27. Review status: criteria provided, single submitter. Criteria: ACMG Guidelines, 2015. Collection method: clinical testing. Allele origin: germline.
Comment: CSF3R NM_156039.3 exon 17 p.Arg698Cys (c.2092C>T): This variant has not been reported in the literature but is present in 0.4% (332/68032) of European alleles in the Genome Aggregation Database. Evolutionary conservation and computational predictive tools suggest that this variant may not impact the protein. In summary, data on this variant is insufficient for disease classification. Therefore, the clinical significance of this variant is uncertain.

Baylor Genetics
Classification: Uncertain significance for Autosomal recessive severe congenital neutropenia due to CSF3R deficiency. Last evaluated: 2018-07-12. Review status: criteria provided, single submitter. Criteria: ACMG Guidelines, 2015. Collection method: clinical testing. Allele origin: unknown. Affected: yes.
Comment: This variant was determined to be of uncertain significance according to ACMG Guidelines, 2015 [PMID:25741868].

Breakthrough Genomics
Classification: Uncertain significance. Review status: criteria provided, single submitter. Criteria: ACMG Guidelines, 2015. Collection method: not provided. Allele origin: germline. Inheritance: Autosomal recessive inheritance. Affected: yes.

Center for Genomics, Ann and Robert H. Lurie Children's Hospital of Chicago
Classification: Uncertain significance for Autosomal recessive severe congenital neutropenia due to CSF3R deficiency; Hereditary neutrophilia. Review status: criteria provided, single submitter. Criteria: ACMG Guidelines, 2015. Collection method: clinical testing. Allele origin: germline.
Comment: the same text as in the submission from Center for Genomics, Ann and Robert H. Lurie Children's Hospital of Chicago above.

PreventionGenetics, part of Exact Sciences
Classification: Likely benign for CSF3R-related condition. Last evaluated: 2020-12-31. Review status: no assertion criteria provided. Collection method: clinical testing. Allele origin: germline. Not counted in ClinVar's aggregate classification.
Comment: This variant is classified as likely benign based on ACMG/AMP sequence variant interpretation guidelines (Richards et al. 2015 PMID: 25741868, with internal and published modifications).

Literature cited by the submitters: PubMed 23896413 (cited by Women's Health and Genetics/Laboratory Corporation of America, LabCorp); PubMed 28302714 (cited by Women's Health and Genetics/Laboratory Corporation of America, LabCorp); PubMed 24627528 (cited by Women's Health and Genetics/Laboratory Corporation of America, LabCorp); PubMed 23656643 (cited by Women's Health and Genetics/Laboratory Corporation of America, LabCorp); PubMed 23604229 (cited by Women's Health and Genetics/Laboratory Corporation of America, LabCorp); PubMed 27069254 (cited by Women's Health and Genetics/Laboratory Corporation of America, LabCorp).